The following is an entry in ClinVar:

NM_002878.4(RAD51D):c.904-11T>A

Genes: RAD51D (RAD51 paralog D; minus strand), RAD51L3-RFFL (RAD51L3-RFFL readthrough; minus strand). Cytogenetic location: 17q12.
Variant type: single nucleotide variant.
Coding change: c.904-11T>A on transcript NM_002878.4 (MANE Select); 11 bases into the intron before coding-DNA position 904, T replaced by A.
Molecular consequence: intron variant.
Genome position (GRCh38, 1-based): chr17:35,101,047, A>T on the plus strand (T>A on the coding strand, the complement: RAD51D is on the minus strand). VCF-style: chr17-35101047-A-T. GRCh37 (hg19) VCF-style: chr17-33428066-A-T.
Other names: c.568-11T>A (NM_133629.3); c.964-11T>A (NM_001142571.2).
Identifiers: ClinVar variation 182854 (VCV000182854.26), dbSNP rs374449943, ClinGen allele CA299922.

ClinVar aggregate classification (germline): Conflicting classifications of pathogenicity. Review status: criteria provided, conflicting classifications (1 of 4 stars). 9 submissions from 9 submitters: Uncertain significance (2); Benign (1); Likely benign (5). 1 of the submissions does not count toward it. Last evaluated 2026-02-03.

Conditions:
Hereditary cancer-predisposing syndrome. Also called: Tumor predisposition; Neoplastic Syndromes, Hereditary; Hereditary neoplastic syndrome; Hereditary Cancer Syndrome. Identifiers: Orphanet 140162, MedGen C0027672, MeSH D009386, MONDO:0015356.
Hereditary breast ovarian cancer syndrome. Also called: Hereditary breast and ovarian cancer syndrome; Hereditary breast and ovarian cancer syndrome (HBOC); Hereditary breast and ovarian cancer; Breast and ovarian cancer; BRCA1- and BRCA2-Associated Hereditary Breast and Ovarian Cancer; Hereditary breast and/or ovarian cancer syndrome. Identifiers: Orphanet 145, MedGen C0677776, MeSH D061325, MONDO:0003582. Disease mechanism: loss of function.
Breast-ovarian cancer, familial, susceptibility to, 4. Identifiers: Orphanet 145, MedGen C3280345, MONDO:0013669, OMIM 614291.

Allele frequency attached by ClinVar (database versions not stated): ESP Exome Variant Server 0.00015; TOPMed 0.00021; 1000 Genomes Project 30x 0.00031; gnomAD 0.00038; 1000 Genomes Project 0.00040.
gnomAD v4.1: 109 of 1,612,038 alleles (0.0068%); highest among the groups gnomAD compares: African/African-American, 0.1%; 1 homozygote.

Submissions (9):

Labcorp Genetics (formerly Invitae), Labcorp
Classification: Benign for Breast-ovarian cancer, familial, susceptibility to, 4. Last evaluated: 2026-02-03. Review status: criteria provided, single submitter. Criteria: Invitae Variant Classification Sherloc (09022015). Collection method: clinical testing. Allele origin: germline.

Center for Genomic Medicine, Rigshospitalet, Copenhagen University Hospital
Classification: Uncertain significance. Last evaluated: 2025-12-29. Review status: criteria provided, single submitter. Criteria: ACMG Guidelines, 2015. Collection method: clinical testing. Allele origin: germline.

Myriad Genetics, Inc.
Classification: Likely benign for Breast-ovarian cancer, familial, susceptibility to, 4. Last evaluated: 2024-12-13. Review status: criteria provided, single submitter. Criteria: Myriad Autosomal Dominant, Autosomal Recessive and X-Linked Classification Criteria (2023). Collection method: clinical testing. Allele origin: unknown.
Comment: This variant is considered likely benign. This variant is intronic and is not expected to impact mRNA splicing. This variant is strongly associated with less severe personal and family histories of cancer, typical for individuals without pathogenic variants in this gene [PMID: 25085752].

Blueprint Genetics
Classification: Likely benign. Last evaluated: 2024-10-22. Review status: criteria provided, single submitter. Criteria: ACMG Guidelines, 2015. Collection method: clinical testing. Allele origin: germline.

Department of Pathology and Laboratory Medicine, Sinai Health System
Classification: Uncertain significance for Hereditary breast ovarian cancer syndrome. Last evaluated: 2023-07-25. Review status: criteria provided, single submitter. Criteria: ACMG Guidelines, 2015. Collection method: clinical testing. Allele origin: germline. Affected: yes.

Sema4
Classification: Likely benign for Hereditary cancer-predisposing syndrome. Last evaluated: 2021-05-29. Review status: criteria provided, single submitter. Criteria: Sema4 Curation Guidelines. Collection method: curation. Allele origin: germline.

GeneDx
Classification: Likely benign. Last evaluated: 2020-11-12. Review status: criteria provided, single submitter. Criteria: GeneDx Variant Classification Process June 2021. Collection method: clinical testing. Allele origin: germline. Affected: yes.
Comment: This variant is associated with the following publications: (PMID: 24130102, 25980754)

Color Diagnostics, LLC DBA Color Health
Classification: Likely benign for Hereditary cancer-predisposing syndrome. Last evaluated: 2015-12-09. Review status: criteria provided, single submitter. Criteria: ACMG Guidelines, 2015. Collection method: clinical testing. Allele origin: germline.

Counsyl
Classification: Likely benign for Breast-ovarian cancer, familial, susceptibility to, 4. Last evaluated: 2016-08-02. Review status: no assertion criteria provided. Collection method: clinical testing. Allele origin: unknown. Not counted in ClinVar's aggregate classification.

Literature cited by the submitters: PubMed 24130102 (cited by Center for Genomic Medicine, Rigshospitalet, Copenhagen University Hospital); PubMed 25085752 (cited by Myriad Genetics, Inc.).